The following is an entry in ClinVar:

NM_052859.4(RFT1):c.456G>C (p.Lys152Asn)

Gene: RFT1 (RFT1 glycolipid translocator homolog; minus strand). Cytogenetic location: 3p21.1.
Variant type: single nucleotide variant.
Coding change: c.456G>C on transcript NM_052859.4 (MANE Select); coding-DNA position 456, G replaced by C.
Protein change: p.Lys152Asn; replaces lysine 152 with asparagine.
Molecular consequence: missense variant.
Genome position (GRCh38, 1-based): chr3:53,122,374, C>G on the plus strand (G>C on the coding strand, the complement: RFT1 is on the minus strand). VCF-style: chr3-53122374-C-G. GRCh37 (hg19) VCF-style: chr3-53156390-C-G.
Other names: short protein forms K152N.
Identifiers: ClinVar variation 2707579 (VCV002707579.3), dbSNP rs762943213, ClinGen allele CA353221484.
Genomic context (GRCh38, chr3:53,122,374, plus strand): 5'-AAAAAACAACGCTTTTTCTTATTCTTCCCATTTCCCATTCACAGCAGAAGGTGCACTGAC[C>G]TTGAGCTTCACAAACATATGTGCTTGTGCCAAGACCCAAAAGGGCTCTCCTAGAAGCTCC-3'
Protein context (NP_443091.1, residues 142-162): LAQAHMFVKL[Lys152Asn]VIAESLSVIL

ClinVar aggregate classification (germline): Uncertain significance (1 of 4 stars; one submission).

Conditions:
RFT1-congenital disorder of glycosylation (CDG1N). Also called: RFT1-CDG; CDG In; Congenital disorder of glycosylation type In. Identifiers: Orphanet 244310, MedGen C2677590, MONDO:0012783, OMIM 612015.

Submission:

Labcorp Genetics (formerly Invitae), Labcorp
Classification: Uncertain significance for RFT1-congenital disorder of glycosylation. Last evaluated: 2024-12-16. Review status: criteria provided, single submitter. Criteria: Invitae Variant Classification Sherloc (09022015). Collection method: clinical testing. Allele origin: germline.
Comment: This sequence change replaces lysine, which is basic and polar, with asparagine, which is neutral and polar, at codon 152 of the RFT1 protein (p.Lys152Asn). This variant also falls at the last nucleotide of exon 4, which is part of the consensus splice site for this exon. This variant is not present in population databases (gnomAD no frequency). This variant has not been reported in the literature in individuals affected with RFT1-related conditions. ClinVar contains an entry for this variant (Variation ID: 2707579). An algorithm developed to predict the effect of missense changes on protein structure and function (PolyPhen-2) suggests that this variant is likely to be disruptive. Variants that disrupt the consensus splice site are a relatively common cause of aberrant splicing (PMID: 17576681, 9536098). Algorithms developed to predict the effect of sequence changes on RNA splicing suggest that this variant may disrupt the consensus splice site. This variant disrupts the p.Lys152 amino acid residue in RFT1. Other variant(s) that disrupt this residue have been determined to be pathogenic (PMID: 19701946, 19856127, 26892341, 27172925). This suggests that this residue is clinically significant, and that variants that disrupt this residue are likely to be disease-causing. In summary, the available evidence is currently insufficient to determine the role of this variant in disease. Therefore, it has been classified as a Variant of Uncertain Significance.

Literature cited by the submitters: PubMed 17576681; PubMed 9536098; PubMed 19701946; PubMed 19856127; PubMed 26892341; PubMed 27172925.